The following is an entry in ClinVar:

ClinVar aggregate classification (germline): Uncertain significance (1 of 4 stars; one submission).

Conditions:
DPYD-related disorder. Also called: DPYD-related condition.

Allele frequency attached by ClinVar (database versions not stated): gnomAD 0.00002; gnomAD exomes 0.00002.
gnomAD v4.1: 34 of 1,613,008 alleles (0.0021%); highest among the groups gnomAD compares: Non-Finnish European, 0.0028%; no homozygotes.

Submission:

PreventionGenetics, part of Exact Sciences
Classification: Uncertain significance for DPYD-related condition. Last evaluated: 2023-01-30. Review status: criteria provided, single submitter. Criteria: ACMG Guidelines, 2015. Collection method: clinical testing. Allele origin: germline.
Comment: The DPYD c.272G>T variant is predicted to result in the amino acid substitution p.Cys91Phe. To our knowledge, this variant has not been reported in the literature. This variant is reported in 0.0065% of alleles in individuals of European (Non-Finnish) descent in gnomAD. At this time, the clinical significance of this variant is uncertain due to the absence of conclusive functional and genetic evidence.

NM_000110.4(DPYD):c.272G>T (p.Cys91Phe)

Gene: DPYD (dihydropyrimidine dehydrogenase; minus strand). Cytogenetic location: 1p21.3.
Variant type: single nucleotide variant.
Coding change: c.272G>T on transcript NM_000110.4 (MANE Select); coding-DNA position 272, G replaced by T.
Protein change: p.Cys91Phe; replaces cysteine 91 with phenylalanine.
Molecular consequence: missense variant.
Genome position (GRCh38, 1-based): chr1:97,740,441, C>A on the plus strand (G>T on the coding strand, the complement: DPYD is on the minus strand). VCF-style: chr1-97740441-C-A. GRCh37 (hg19) VCF-style: chr1-98205997-C-A.
Other names: c.272G>T, p.Cys91Phe (NM_001160301.1); short protein forms C91F.
Identifiers: ClinVar variation 2635856 (VCV002635856.1), dbSNP rs928681171, ClinGen allele CA27656042.